The following is an entry in ClinVar:

NM_001999.4(FBN2):c.906A>T (p.Arg302Ser)

Gene: FBN2 (fibrillin 2; minus strand). Cytogenetic location: 5q23.3.
Variant type: single nucleotide variant.
Coding change: c.906A>T on transcript NM_001999.4 (MANE Select); coding-DNA position 906, A replaced by T.
Protein change: p.Arg302Ser; replaces arginine 302 with serine.
Molecular consequence: missense variant.
Genome position (GRCh38, 1-based): chr5:128,446,527, T>A on the plus strand (A>T on the coding strand, the complement: FBN2 is on the minus strand). VCF-style: chr5-128446527-T-A. GRCh37 (hg19) VCF-style: chr5-127782220-T-A.
Other names: short protein forms R302S.
Identifiers: ClinVar variation 650239 (VCV000650239.11), dbSNP rs1554069994, ClinGen allele CA360751979.

ClinVar aggregate classification (germline): Uncertain significance (1 of 4 stars; one submission).

Conditions:
Congenital contractural arachnodactyly (CCA). Also called: Arthrogryposis, distal, type 9; BEALS SYNDROME; Beals-Hecht syndrome. Identifiers: Orphanet 115, MedGen C0220668, MONDO:0007363, OMIM 121050.

Submission:

Labcorp Genetics (formerly Invitae), Labcorp
Classification: Uncertain significance for Congenital contractural arachnodactyly. Last evaluated: 2019-02-25. Review status: criteria provided, single submitter. Criteria: Invitae Variant Classification Sherloc (09022015). Collection method: clinical testing. Allele origin: germline.
Comment: In summary, the available evidence is currently insufficient to determine the role of this variant in disease. Therefore, it has been classified as a Variant of Uncertain Significance. Algorithms developed to predict the effect of missense changes on protein structure and function (SIFT, PolyPhen-2, Align-GVGD) all suggest that this variant is likely to be tolerated, but these predictions have not been confirmed by published functional studies and their clinical significance is uncertain. This variant has not been reported in the literature in individuals with FBN2-related conditions. This variant is not present in population databases (ExAC no frequency). This sequence change replaces arginine with serine at codon 302 of the FBN2 protein (p.Arg302Ser). The arginine residue is weakly conserved and there is a moderate physicochemical difference between arginine and serine.